The following is an entry in ClinVar:

NM_001267550.2(TTN):c.97855_97871dup (p.Glu32625fs)

Genes: TTN-AS1 (TTN antisense RNA 1; plus strand), TTN (titin; minus strand). Cytogenetic location: 2q31.2.
Variant type: Duplication.
Coding change: c.97855_97871dup on transcript NM_001267550.2 (MANE Select); coding-DNA positions 97855 to 97871, 17 bases duplicated (CTGGCCTGGAGTGTTCC).
Protein change: p.Glu32625fs; shifts the reading frame from glutamic acid 32625.
Molecular consequence: frameshift variant.
Genome position (GRCh38, 1-based): chr2:178,540,295-178,540,311, GGAACACTCCAGGCCAG duplicated on the plus strand (CTGGCCTGGAGTGTTCC on the coding strand, the reverse complement: TTN is on the minus strand); duplicating any 17 consecutive bases within chr2:178,540,295-178,540,314 gives the same sequence; the c. name uses the placement nearest the transcript's 3' end. VCF-style (leftmost placement, unchanged base first): chr2-178540294-T-TGGAACACTCCAGGCCAG. GRCh37 (hg19) VCF-style: chr2-179405021-T-TGGAACACTCCAGGCCAG.
Other names: c.92932_92948dup, p.Glu30984fs (NM_001256850.1); c.70660_70676dup, p.Glu23560fs (NM_003319.4); c.90151_90167dup, p.Glu30057fs (NM_133378.4); c.71035_71051dup, p.Glu23685fs (NM_133432.3); c.71236_71252dup, p.Glu23752fs (NM_133437.4); short protein forms E30984fs, E23560fs, E30057fs, E32625fs, E23752fs, E23685fs.
Identifiers: ClinVar variation 2921977 (VCV002921977.3), dbSNP rs2468798023, ClinGen allele CA2740095960.

ClinVar aggregate classification (germline): Likely pathogenic (1 of 4 stars; one submission).

Conditions:
Dilated cardiomyopathy 1G (CMD1G). Identifiers: Orphanet 154, MedGen C1858763, MONDO:0011400, OMIM 604145.
Autosomal recessive limb-girdle muscular dystrophy type 2J (LGMDR10). Also called: Limb-girdle muscular dystrophy, type 2J; MUSCULAR DYSTROPHY, LIMB-GIRDLE, AUTOSOMAL RECESSIVE 10. Identifiers: Orphanet 140922, MedGen C1837342, MONDO:0012127, OMIM 608807.

Submission:

Labcorp Genetics (formerly Invitae), Labcorp
Classification: Likely pathogenic for Dilated cardiomyopathy 1G; Autosomal recessive limb-girdle muscular dystrophy type 2J. Last evaluated: 2024-06-13. Review status: criteria provided, single submitter. Criteria: Invitae Variant Classification Sherloc (09022015). Collection method: clinical testing. Allele origin: germline.
Comment: This sequence change creates a premature translational stop signal (p.Glu32625Trpfs*18) in the TTN gene. While this is not anticipated to result in nonsense mediated decay, it is expected to create a truncated TTN protein. This variant is not present in population databases (gnomAD no frequency). This variant has not been reported in the literature in individuals affected with TTN-related conditions. This variant is located in the A band of TTN (PMID: 25589632). Truncating variants in this region are significantly overrepresented in patients affected with dilated cardiomyopathy (PMID: 25589632). Truncating variants in this region have also been reported in individuals affected with autosomal recessive centronuclear myopathy (PMID: 23975875). In summary, the currently available evidence indicates that the variant is pathogenic, but additional data are needed to prove that conclusively. Therefore, this variant has been classified as Likely Pathogenic.

Literature cited by the submitters: PubMed 25589632; PubMed 23975875.